The following is an entry in ClinVar:

ClinVar aggregate classification (germline): Uncertain significance (1 of 4 stars; one submission).

Submission:

GeneDx
Classification: Uncertain significance. Last evaluated: 2019-07-17. Review status: criteria provided, single submitter. Criteria: GeneDx Variant Classification Process June 2021. Collection method: clinical testing. Allele origin: germline. Affected: yes.
Comment: Has not been previously published as pathogenic or benign to our knowledge; Not observed in large population cohorts (Lek et al., 2016); In silico analysis, which includes protein predictors and evolutionary conservation, supports that this variant does not alter protein structure/function

NM_000256.3(MYBPC3):c.1507T>A (p.Phe503Ile)

Gene: MYBPC3 (myosin binding protein C3; minus strand). Cytogenetic location: 11p11.2.
Variant type: single nucleotide variant.
Coding change: c.1507T>A on transcript NM_000256.3 (MANE Select); coding-DNA position 1507, T replaced by A.
Protein change: p.Phe503Ile; replaces phenylalanine 503 with isoleucine.
Molecular consequence: missense variant.
Genome position (GRCh38, 1-based): chr11:47,342,695, A>T on the plus strand (T>A on the coding strand, the complement: MYBPC3 is on the minus strand). VCF-style: chr11-47342695-A-T. GRCh37 (hg19) VCF-style: chr11-47364246-A-T.
Other names: short protein forms F503I.
Identifiers: ClinVar variation 1307265 (VCV001307265.2), dbSNP rs2142861109, ClinGen allele CA380325218.